The following is an entry in ClinVar:

NM_000447.3(PSEN2):c.880T>G (p.Tyr294Asp)

Gene: PSEN2 (presenilin 2; plus strand). Cytogenetic location: 1q42.13.
Variant type: single nucleotide variant.
Coding change: c.880T>G on transcript NM_000447.3 (MANE Select); coding-DNA position 880, T replaced by G.
Protein change: p.Tyr294Asp; replaces tyrosine 294 with aspartic acid.
Molecular consequence: missense variant.
Genome position (GRCh38, 1-based): chr1:226,890,127, T>G. VCF-style: chr1-226890127-T-G. GRCh37 (hg19) VCF-style: chr1-227077828-T-G.
Other names: c.880T>G, p.Tyr294Asp (NM_012486.3); short protein forms Y294D.
Identifiers: ClinVar variation 2812831 (VCV002812831.3), dbSNP rs769715316, ClinGen allele CA345042091.

ClinVar aggregate classification (germline): Uncertain significance (1 of 4 stars; one submission).

Conditions:
Alzheimer disease 4 (AD4). Identifiers: Orphanet 1020, MedGen C1847200, MONDO:0011743, OMIM 606889.

Submission:

Labcorp Genetics (formerly Invitae), Labcorp
Classification: Uncertain significance for Alzheimer disease 4. Last evaluated: 2024-10-22. Review status: criteria provided, single submitter. Criteria: Invitae Variant Classification Sherloc (09022015). Collection method: clinical testing. Allele origin: germline.
Comment: This sequence change replaces tyrosine, which is neutral and polar, with aspartic acid, which is acidic and polar, at codon 294 of the PSEN2 protein (p.Tyr294Asp). This variant is not present in population databases (gnomAD no frequency). This variant has not been reported in the literature in individuals affected with PSEN2-related conditions. Invitae Evidence Modeling of protein sequence and biophysical properties (such as structural, functional, and spatial information, amino acid conservation, physicochemical variation, residue mobility, and thermodynamic stability) indicates that this missense variant is expected to disrupt PSEN2 protein function with a positive predictive value of 80%. In summary, the available evidence is currently insufficient to determine the role of this variant in disease. Therefore, it has been classified as a Variant of Uncertain Significance.